The following is an entry in ClinVar:

NM_000264.5(PTCH1):c.746+3A>G

Gene: PTCH1 (patched 1; minus strand). Cytogenetic location: 9q22.32.
Variant type: single nucleotide variant.
Coding change: c.746+3A>G on transcript NM_000264.5 (MANE Select); 3 bases into the intron after coding-DNA position 746, A replaced by G.
Molecular consequence: intron variant. On other transcripts: synonymous variant (1).
Genome position (GRCh38, 1-based): chr9:95,481,946, T>C on the plus strand (A>G on the coding strand, the complement: PTCH1 is on the minus strand). VCF-style: chr9-95481946-T-C. GRCh37 (hg19) VCF-style: chr9-98244228-T-C.
Other names: c.551A>G, p.Ter184= (NM_001354919.2); c.743+3A>G (NM_001083603.3); c.548+3A>G (NM_001083602.3); c.746+3A>G (NM_001354918.2); c.293+3A>G (NM_001083605.3, NM_001083604.3, NM_001083606.3 and 1 more transcripts).
Identifiers: ClinVar variation 1043616 (VCV001043616.10), dbSNP rs1841567989, ClinGen allele CA1865611972.
Genomic context (GRCh38, chr9:95,481,946, plus strand): 5'-AACATTAGAAACACTGAGTCCTAGAGAAGTCACAGACATCAGAAAGCATGATCACACACT[T>C]ACAGGAGGTATGCTGTCCCAGACTGTAATTTCGCCCCTTCCCAGAAGCAGTCCAAAGGTG-3'

ClinVar aggregate classification (germline): Uncertain significance. Review status: criteria provided, multiple submitters, no conflicts (2 of 4 stars). 2 submissions from 2 submitters: Uncertain significance (2). Last evaluated 2023-09-08.

Conditions:
Hereditary cancer-predisposing syndrome. Also called: Hereditary neoplastic syndrome; Neoplastic Syndromes, Hereditary; Tumor predisposition; Hereditary Cancer Syndrome. Identifiers: Orphanet 140162, MedGen C0027672, MeSH D009386, MONDO:0015356.
Gorlin syndrome. Also called: Nevoid Basal Cell Carcinoma Syndrome; Basal cell nevus syndrome. Identifiers: Orphanet 377, MedGen C0004779, MONDO:0007187.

Allele frequency attached by ClinVar (database versions not stated): gnomAD exomes below 0.00001.
gnomAD v4.1: 1 of 1,603,866 alleles (0.000062%); highest among the groups gnomAD compares: Non-Finnish European, 0.000085%; no homozygotes.

Submissions (2):

Ambry Genetics
Classification: Uncertain significance for Hereditary cancer-predisposing syndrome. Last evaluated: 2023-09-08. Review status: criteria provided, single submitter. Criteria: Ambry Variant Classification Scheme 2023. Collection method: clinical testing. Allele origin: germline.
Comment: The c.746+3A>G intronic variant results from an A to G substitution 3 nucleotides after coding exon 5 in the PTCH1 gene. This nucleotide position is well conserved in available vertebrate species. In silico splice site analysis predicts that this alteration will not have any significant effect on splicing; however, direct evidence is insufficient at this time (Ambry internal data). Since supporting evidence is limited at this time, the clinical significance of this alteration remains unclear.

Labcorp Genetics (formerly Invitae), Labcorp
Classification: Uncertain significance for Gorlin syndrome. Last evaluated: 2020-04-16. Review status: criteria provided, single submitter. Criteria: Invitae Variant Classification Sherloc (09022015). Collection method: clinical testing. Allele origin: germline.
Comment: In summary, the available evidence is currently insufficient to determine the role of this variant in disease. Therefore, it has been classified as a Variant of Uncertain Significance. Nucleotide substitutions within the consensus splice site are a relatively common cause of aberrant splicing (PMID: 17576681, 9536098). Algorithms developed to predict the effect of sequence changes on RNA splicing suggest that this variant is not likely to affect RNA splicing, but this prediction has not been confirmed by published transcriptional studies. This variant has not been reported in the literature in individuals with PTCH1-related conditions. This variant is not present in population databases (ExAC no frequency). This sequence change falls in intron 5 of the PTCH1 gene. It does not directly change the encoded amino acid sequence of the PTCH1 protein, but it affects a nucleotide within the consensus splice site of the intron.

Literature cited by the submitters: PubMed 17576681 (cited by Labcorp Genetics (formerly Invitae), Labcorp); PubMed 9536098 (cited by Labcorp Genetics (formerly Invitae), Labcorp).